The following is an entry in ClinVar:

NM_170606.3(KMT2C):c.6349del (p.Ser2117fs)

Gene: KMT2C (lysine methyltransferase 2C; minus strand). Cytogenetic location: 7q36.1.
Variant type: Deletion.
Coding change: c.6349del on transcript NM_170606.3 (MANE Select); coding-DNA position 6349, one base deleted (T; older notation c.6349delT).
Protein change: p.Ser2117fs; shifts the reading frame from serine 2117.
Molecular consequence: frameshift variant.
Genome position (GRCh38, 1-based): chr7:152,181,511, A deleted on the plus strand (T on the coding strand, the reverse complement: KMT2C is on the minus strand); the first of 5 consecutive A bases (chr7:152,181,511-152,181,515); deleting any one gives the same sequence. VCF-style (leftmost placement, unchanged base first): chr7-152181510-GA-G. GRCh37 (hg19) VCF-style: chr7-151878595-GA-G.
Other names: short protein forms S2117fs.
Identifiers: ClinVar variation 4998061 (VCV004998061.1).
Genomic context (GRCh38, chr7:152,181,510, plus strand): 5'-GTTCCTGGGGGTTGGGAGTATGGGTCCTGAGATGTTGGCCTTGATATGGTTCCAGGCTGG[GA>G]AAAAGCCCTTGAAGGATGGGCAAAAGATTCATTCACTGCTGGATGTGGGGTAAGGGGAGG-3'

ClinVar aggregate classification (germline): Likely pathogenic (1 of 4 stars; one submission).

Conditions:
KMT2C-related disorder. Also called: KMT2C-related condition; KMT2C-related disorders.

Submission:

PreventionGenetics, part of Exact Sciences
Classification: Likely pathogenic for KMT2C-related condition. Last evaluated: 2024-11-07. Review status: criteria provided, single submitter. Criteria: ACMG Guidelines, 2015. Collection method: clinical testing. Allele origin: germline.
Comment: The KMT2C c.6349delT variant is predicted to result in a frameshift and premature protein termination (p.Ser2117Profs*26). To our knowledge, this variant has not been reported in the literature or in a large population database (gnomAD), indicating this variant is rare. Frameshift variants in KMT2C are expected to be pathogenic. This variant is interpreted as likely pathogenic.